The following is an entry in ClinVar:

ClinVar aggregate classification (germline): Uncertain significance (1 of 4 stars; one submission).

Conditions:
Inclusion body myopathy with early-onset Paget disease with or without frontotemporal dementia 2 (IBMPFD2). Also called: MULTISYSTEM PROTEINOPATHY 2. Identifiers: MedGen C3809468, MONDO:0014178, OMIM 615422.

Submission:

Labcorp Genetics (formerly Invitae), Labcorp
Classification: Uncertain significance for Inclusion body myopathy with early-onset Paget disease with or without frontotemporal dementia 2. Last evaluated: 2019-10-31. Review status: criteria provided, single submitter. Criteria: Invitae Variant Classification Sherloc (09022015). Collection method: clinical testing. Allele origin: germline.
Comment: This sequence change affects codon 231 of the HNRNPA2B1 mRNA. It is a 'silent' change, meaning that it does not change the encoded amino acid sequence of the HNRNPA2B1 protein. This variant is not present in population databases (ExAC no frequency). This variant has not been reported in the literature in individuals with HNRNPA2B1-related conditions. Algorithms developed to predict the effect of sequence changes on RNA splicing suggest that this variant is not likely to affect RNA splicing, but this prediction has not been confirmed by published transcriptional studies. In summary, the available evidence is currently insufficient to determine the role of this variant in disease. Therefore, it has been classified as a Variant of Uncertain Significance.

NM_002137.4(HNRNPA2B1):c.657T>A (p.Ser219=)

Gene: HNRNPA2B1 (heterogeneous nuclear ribonucleoprotein A2/B1; minus strand). Cytogenetic location: 7p15.2.
Variant type: single nucleotide variant.
Coding change: c.657T>A on transcript NM_002137.4 (MANE Select); coding-DNA position 657, T replaced by A.
Protein change: p.Ser219=; no amino-acid change (serine 219 retained).
Molecular consequence: synonymous variant.
Genome position (GRCh38, 1-based): chr7:26,196,402, A>T on the plus strand (T>A on the coding strand, the complement: HNRNPA2B1 is on the minus strand). VCF-style: chr7-26196402-A-T. GRCh37 (hg19) VCF-style: chr7-26236022-A-T.
Other names: c.693T>A, p.Ser231= (NM_031243.4).
Identifiers: ClinVar variation 967904 (VCV000967904.9), dbSNP rs370050080, ClinGen allele CA454505535.